The following is an entry in ClinVar:

NM_001164508.2(NEB):c.9529C>T (p.Arg3177Cys)

Gene: NEB (nebulin; minus strand). Cytogenetic location: 2q23.3.
Variant type: single nucleotide variant.
Coding change: c.9529C>T on transcript NM_001164508.2 (MANE Select); coding-DNA position 9529, C replaced by T.
Protein change: p.Arg3177Cys; replaces arginine 3177 with cysteine.
Molecular consequence: missense variant. On other transcripts: intron variant (1).
Genome position (GRCh38, 1-based): chr2:151,631,232, G>A on the plus strand (C>T on the coding strand, the complement: NEB is on the minus strand). VCF-style: chr2-151631232-G-A. GRCh37 (hg19) VCF-style: chr2-152487746-G-A.
Other names: c.9529C>T, p.Arg3177Cys (NM_001164507.2, NM_001271208.2); c.8854-54C>T (NM_004543.5); short protein forms R3177C.
Identifiers: ClinVar variation 969371 (VCV000969371.9), dbSNP rs758363933, ClinGen allele CA1909293.

ClinVar aggregate classification (germline): Uncertain significance. Review status: criteria provided, multiple submitters, no conflicts (2 of 4 stars). 3 submissions from 3 submitters: Uncertain significance (2). 1 of the submissions does not count toward it. Last evaluated 2022-11-09.

Conditions:
Nemaline myopathy 2 (NEM2). Also called: Nemaline myopathy 2, autosomal recessive. Identifiers: MedGen C1850569, MONDO:0009725, OMIM 256030.

Allele frequency attached by ClinVar (database versions not stated): TOPMed 0.00002; ExAC 0.00005; gnomAD 0.00006; gnomAD exomes 0.00006 and 0.00014.
gnomAD v4.1: 90 of 1,613,718 alleles (0.0056%); highest among the groups gnomAD compares: Non-Finnish European, 0.0017%; 1 homozygote.

Submissions (3):

Revvity Omics, Revvity
Classification: Uncertain significance. Last evaluated: 2022-11-09. Review status: criteria provided, single submitter. Criteria: ACMG Guidelines, 2015. Collection method: clinical testing. Allele origin: germline.

Labcorp Genetics (formerly Invitae), Labcorp
Classification: Uncertain significance for Nemaline myopathy 2. Last evaluated: 2022-10-12. Review status: criteria provided, single submitter. Criteria: Invitae Variant Classification Sherloc (09022015). Collection method: clinical testing. Allele origin: germline.
Comment: This sequence change replaces arginine, which is basic and polar, with cysteine, which is neutral and slightly polar, at codon 3177 of the NEB protein (p.Arg3177Cys). This variant is present in population databases (rs758363933, gnomAD 0.1%), including at least one homozygous and/or hemizygous individual. This variant has not been reported in the literature in individuals affected with NEB-related conditions. ClinVar contains an entry for this variant (Variation ID: 969371). Algorithms developed to predict the effect of missense changes on protein structure and function are either unavailable or do not agree on the potential impact of this missense change (SIFT: "Deleterious"; PolyPhen-2: "Not Available"; Align-GVGD: "Class C0"). In summary, the available evidence is currently insufficient to determine the role of this variant in disease. Therefore, it has been classified as a Variant of Uncertain Significance.

Natera, Inc.
Classification: Uncertain significance for Nemaline myopathy type 2. Last evaluated: 2021-02-18. Review status: no assertion criteria provided. Collection method: clinical testing. Allele origin: germline. Not counted in ClinVar's aggregate classification.